The following is an entry in ClinVar:

NM_001142864.4(PIEZO1):c.6164+8C>G

Gene: PIEZO1 (piezo type mechanosensitive ion channel component 1 (Er blood group); minus strand). Cytogenetic location: 16q24.3.
Variant type: single nucleotide variant.
Coding change: c.6164+8C>G on transcript NM_001142864.4 (MANE Select); 8 bases into the intron after coding-DNA position 6164, C replaced by G.
Molecular consequence: intron variant.
Genome position (GRCh38, 1-based): chr16:88,720,061, G>C on the plus strand (C>G on the coding strand, the complement: PIEZO1 is on the minus strand). VCF-style: chr16-88720061-G-C. GRCh37 (hg19) VCF-style: chr16-88786469-G-C.
Identifiers: ClinVar variation 3350919 (VCV003350919.4).

ClinVar aggregate classification (germline): Likely benign. Review status: criteria provided, multiple submitters, no conflicts (2 of 4 stars). 3 submissions from 3 submitters: Likely benign (2). 1 of the submissions does not count toward it. Last evaluated 2024-09-11.

Conditions:
PIEZO1-related disorder. Also called: PIEZO1-Related Disorders; PIEZO1-related condition.

gnomAD v4.1: 57 of 1,549,946 alleles (0.0037%); highest among the groups gnomAD compares: Middle Eastern, 0.42%; 1 homozygote.

Submissions (3):

Blueprint Genetics
Classification: Likely benign. Last evaluated: 2024-09-11. Review status: criteria provided, single submitter. Criteria: ACMG Guidelines, 2015. Collection method: clinical testing. Allele origin: germline.

Labcorp Genetics (formerly Invitae), Labcorp
Classification: Likely benign. Last evaluated: 2024-04-10. Review status: criteria provided, single submitter. Criteria: Invitae Variant Classification Sherloc (09022015). Collection method: clinical testing. Allele origin: germline.

PreventionGenetics, part of Exact Sciences
Classification: Likely benign for PIEZO1-related condition. Last evaluated: 2024-09-17. Review status: no assertion criteria provided. Collection method: clinical testing. Allele origin: germline. Not counted in ClinVar's aggregate classification.
Comment: This variant is classified as likely benign based on ACMG/AMP sequence variant interpretation guidelines (Richards et al. 2015 PMID: 25741868, with internal and published modifications).